The following is an entry in ClinVar:

ClinVar aggregate classification (germline): Uncertain significance. Review status: criteria provided, multiple submitters, no conflicts (2 of 4 stars). 3 submissions from 3 submitters: Uncertain significance (3). Last evaluated 2024-08-04.

Conditions:
Cardiovascular phenotype. Identifiers: MedGen CN230736.
Long QT syndrome (LQTS). Identifiers: MedGen C0023976, MeSH D008133, MONDO:0002442. Disease mechanism: loss of function. Inheritance: Various modes of inheritance.

Allele frequency attached by ClinVar (database versions not stated): ExAC 0.00001.

Submissions (4):

Labcorp Genetics (formerly Invitae), Labcorp
Classification: Uncertain significance for Long QT syndrome. Last evaluated: 2024-08-04. Review status: criteria provided, single submitter. Criteria: Invitae Variant Classification Sherloc (09022015). Collection method: clinical testing. Allele origin: germline.
Comment: This sequence change replaces alanine, which is neutral and non-polar, with threonine, which is neutral and polar, at codon 31 of the KCNE1 protein (p.Ala31Thr). This variant is present in population databases (rs753462079, gnomAD 0.008%). This variant has not been reported in the literature in individuals affected with KCNE1-related conditions. ClinVar contains an entry for this variant (Variation ID: 1766174). Advanced modeling of protein sequence and biophysical properties (such as structural, functional, and spatial information, amino acid conservation, physicochemical variation, residue mobility, and thermodynamic stability) has been performed at Invitae for this missense variant, however the output from this modeling did not meet the statistical confidence thresholds required to predict the impact of this variant on KCNE1 protein function. In summary, the available evidence is currently insufficient to determine the role of this variant in disease. Therefore, it has been classified as a Variant of Uncertain Significance.

Ambry Genetics
Classification: Uncertain significance for Cardiovascular phenotype. Last evaluated: 2024-05-26. Review status: criteria provided, single submitter. Criteria: Ambry Variant Classification Scheme 2023. Collection method: clinical testing. Allele origin: germline.

GeneDx
Classification: Uncertain significance. Last evaluated: 2023-11-28. Review status: criteria provided, single submitter. Criteria: GeneDx Variant Classification Process June 2021. Collection method: clinical testing. Allele origin: germline. Affected: yes.
Comment: Has not been previously published as pathogenic or benign to our knowledge; Not observed at significant frequency in large population cohorts (gnomAD); In silico analysis supports that this missense variant does not alter protein structure/function

Roden Lab, Vanderbilt University Medical Center
No classification provided (evidence only). Condition: Long QT syndrome 5. Review status: no classification provided. Collection method: in vitro. Allele origin: not applicable. Functional consequence: Effect on ion channel function. Not counted in ClinVar's aggregate classification.
ClinVar note: "not provided" was previously submitted as the classification for the variant. However, the classification appeared to be based only on an observation of functional data so it was converted to no classification on 2025-07-30.

NM_000219.6(KCNE1):c.91G>A (p.Ala31Thr)

Gene: KCNE1 (potassium voltage-gated channel subfamily E regulatory subunit 1; minus strand). Cytogenetic location: 21q22.12.
Variant type: single nucleotide variant.
Coding change: c.91G>A on transcript NM_000219.6 (MANE Select); coding-DNA position 91, G replaced by A.
Protein change: p.Ala31Thr; replaces alanine 31 with threonine.
Molecular consequence: missense variant.
Genome position (GRCh38, 1-based): chr21:34,449,544, C>T on the plus strand (G>A on the coding strand, the complement: KCNE1 is on the minus strand). VCF-style: chr21-34449544-C-T. GRCh37 (hg19) VCF-style: chr21-35821842-C-T.
Other names: c.91G>A, p.Ala31Thr (NM_001127668.4, NM_001127669.4, NM_001127670.4 and 4 more transcripts); short protein forms A31T.
Identifiers: ClinVar variation 1766174 (VCV001766174.7), dbSNP rs753462079, ClinGen allele CA320425498.